The following is an entry in ClinVar:

ClinVar aggregate classification (germline): Conflicting classifications of pathogenicity. Review status: criteria provided, conflicting classifications (1 of 4 stars). 10 submissions from 9 submitters: Uncertain significance (2); Benign (3); Likely benign (5). Last evaluated 2026-01-27.

Conditions:
Arthrogryposis multiplex congenita 6. Identifiers: MedGen C5543431, MONDO:0030281, OMIM 619334.
NEB-related disorder. Also called: NEB-related condition; NEB-Related Disorders.
Nemaline myopathy 2 (NEM2). Also called: Nemaline myopathy 2, autosomal recessive. Identifiers: MedGen C1850569, MONDO:0009725, OMIM 256030.

Allele frequency attached by ClinVar (database versions not stated): gnomAD 0.00014 and 0.00041; ESP Exome Variant Server 0.00016; TOPMed 0.00023; gnomAD exomes 0.00066 and 0.00123; 1000 Genomes Project 30x 0.00109; 1000 Genomes Project 0.00140; ExAC 0.00153.
gnomAD v4.1: 1,015 of 1,612,666 alleles (0.063%); highest among the groups gnomAD compares: South Asian, 0.86%; 21 homozygotes.

Submissions (10):

Labcorp Genetics (formerly Invitae), Labcorp
Classification: Benign for Nemaline myopathy 2. Last evaluated: 2026-01-27. Review status: criteria provided, single submitter. Criteria: Invitae Variant Classification Sherloc (09022015). Collection method: clinical testing. Allele origin: germline.

PreventionGenetics, part of Exact Sciences
Classification: Benign for NEB-related condition. Last evaluated: 2025-06-30. Review status: criteria provided, single submitter. Criteria: ACMG Guidelines, 2015. Collection method: clinical testing. Allele origin: germline.
Comment: This variant is classified as benign based on ACMG/AMP sequence variant interpretation guidelines (Richards et al. 2015 PMID: 25741868, with internal and published modifications).

CeGaT Center for Human Genetics Tuebingen
Classification: Likely benign. Last evaluated: 2023-02-01. Review status: criteria provided, single submitter. Criteria: CeGaT Center For Human Genetics Tuebingen Variant Classification Criteria Version 2. Collection method: clinical testing. Allele origin: germline. Affected: yes. Observed: 2 variant alleles.
Comment: NEB: BS2

Genome-Nilou Lab
Classification: Likely benign for Arthrogryposis multiplex congenita 6. Last evaluated: 2021-07-14. Review status: criteria provided, single submitter. Criteria: ACMG Guidelines, 2015. Collection method: clinical testing. Allele origin: germline. Affected: no.

Genome-Nilou Lab
Classification: Likely benign for Nemaline myopathy 2. Last evaluated: 2021-07-14. Review status: criteria provided, single submitter. Criteria: ACMG Guidelines, 2015. Collection method: clinical testing. Allele origin: germline. Affected: no.

Dubai Health Genomic Medicine Center, Dubai Health
Classification: Benign for Nemaline myopathy 2. Last evaluated: 2020-03-22. Review status: criteria provided, single submitter. Criteria: ACMG Guidelines, 2015. Collection method: clinical testing. Allele origin: germline. Affected: yes.

GeneDx
Classification: Likely benign. Last evaluated: 2019-08-29. Review status: criteria provided, single submitter. Criteria: GeneDx Variant Classification Process June 2021. Collection method: clinical testing. Allele origin: germline. Affected: yes.
Comment: This variant is associated with the following publications: (PMID: 25214167)

Illumina Laboratory Services, Illumina
Classification: Likely benign for Nemaline myopathy 2. Last evaluated: 2018-01-13. Review status: criteria provided, single submitter. Criteria: ICSL Variant Classification Criteria 13 December 2019. Collection method: clinical testing. Allele origin: germline.
Comment: This variant was observed in the ICSL laboratory as part of a predisposition screen in an ostensibly healthy population. It had not been previously curated by ICSL or reported in the Human Gene Mutation Database (HGMD: prior to June 1st, 2018), and was therefore a candidate for classification through an automated scoring system. Utilizing variant allele frequency, disease prevalence and penetrance estimates, and inheritance mode, an automated score was calculated to assess if this variant is too frequent to cause the disease. Based on the score and internal cut-off values, a variant classified as likely benign is not then subjected to further curation. The score for this variant resulted in a classification of likely benign for this disease.

Center for Pediatric Genomic Medicine, Children's Mercy Hospital and Clinics
Classification: Uncertain significance. Last evaluated: 2017-06-26. Review status: criteria provided, single submitter. Criteria: ACMG Guidelines, 2015. Collection method: clinical testing. Allele origin: germline.

Eurofins Ntd Llc (ga)
Classification: Uncertain significance. Last evaluated: 2014-09-17. Review status: criteria provided, single submitter. Criteria: EGL Classification Definitions 2015. Collection method: clinical testing. Allele origin: germline. Observed: 1 variant allele, 1 heterozygote.

NM_001164508.2(NEB):c.539A>G (p.Lys180Arg)

Gene: NEB (nebulin; minus strand). Cytogenetic location: 2q23.3.
Variant type: single nucleotide variant.
Coding change: c.539A>G on transcript NM_001164508.2 (MANE Select); coding-DNA position 539, A replaced by G.
Protein change: p.Lys180Arg; replaces lysine 180 with arginine.
Molecular consequence: missense variant.
Genome position (GRCh38, 1-based): chr2:151,724,333, T>C on the plus strand (A>G on the coding strand, the complement: NEB is on the minus strand). VCF-style: chr2-151724333-T-C. GRCh37 (hg19) VCF-style: chr2-152580847-T-C.
Other names: c.539A>G, p.Lys180Arg (NM_001164507.2, NM_001271208.2, NM_004543.5); short protein forms K180R.
Identifiers: ClinVar variation 198810 (VCV000198810.55), dbSNP rs200719359, ClinGen allele CA247643.